The following is an entry in ClinVar:

NM_020987.5(ANK3):c.1526T>A (p.Leu509Gln)

Gene: ANK3 (ankyrin 3; minus strand). Cytogenetic location: 10q21.2.
Variant type: single nucleotide variant.
Coding change: c.1526T>A on transcript NM_020987.5 (MANE Select); coding-DNA position 1526, T replaced by A.
Protein change: p.Leu509Gln; replaces leucine 509 with glutamine.
Molecular consequence: missense variant.
Genome position (GRCh38, 1-based): chr10:60,198,503, A>T on the plus strand (T>A on the coding strand, the complement: ANK3 is on the minus strand). VCF-style: chr10-60198503-A-T. GRCh37 (hg19) VCF-style: chr10-61958261-A-T.
Other names: c.1526T>A, p.Leu509Gln (NM_001320874.2); c.1508T>A, p.Leu503Gln (NM_001204403.2); c.1475T>A, p.Leu492Gln (NM_001204404.2); short protein forms L503Q, L509Q, L492Q.
Identifiers: ClinVar variation 2132154 (VCV002132154.4), dbSNP rs2493376390, ClinGen allele CA376990021.

ClinVar aggregate classification (germline): Uncertain significance (1 of 4 stars; one submission).

Submission:

Labcorp Genetics (formerly Invitae), Labcorp
Classification: Uncertain significance. Last evaluated: 2022-10-17. Review status: criteria provided, single submitter. Criteria: Invitae Variant Classification Sherloc (09022015). Collection method: clinical testing. Allele origin: germline.
Comment: In summary, the available evidence is currently insufficient to determine the role of this variant in disease. Therefore, it has been classified as a Variant of Uncertain Significance. Algorithms developed to predict the effect of sequence changes on RNA splicing suggest that this variant may create or strengthen a splice site. Advanced modeling of protein sequence and biophysical properties (such as structural, functional, and spatial information, amino acid conservation, physicochemical variation, residue mobility, and thermodynamic stability) performed at Invitae indicates that this missense variant is not expected to disrupt ANK3 protein function. This variant has not been reported in the literature in individuals affected with ANK3-related conditions. This variant is not present in population databases (gnomAD no frequency). This sequence change replaces leucine, which is neutral and non-polar, with glutamine, which is neutral and polar, at codon 509 of the ANK3 protein (p.Leu509Gln).